The following is an entry in ClinVar:

ClinVar aggregate classification (germline): Uncertain significance (1 of 4 stars; one submission).

Conditions:
Developmental and epileptic encephalopathy, 34 (DEE34). Also called: SLC12A5-Related Epilepsy of Infancy with Migrating Focal Seizures; Early infantile epileptic encephalopathy 34. Identifiers: Orphanet 293181, MedGen C4225257, MONDO:0014718, OMIM 616645.

Allele frequency attached by ClinVar (database versions not stated): gnomAD exomes below 0.00001; TOPMed 0.00001; ExAC 0.00002.
gnomAD v4.1: 4 of 1,614,208 alleles (0.00025%); highest among the groups gnomAD compares: African/African-American, 0.0013%; no homozygotes.

Submission:

Labcorp Genetics (formerly Invitae), Labcorp
Classification: Uncertain significance for Developmental and epileptic encephalopathy, 34. Last evaluated: 2022-07-04. Review status: criteria provided, single submitter. Criteria: Invitae Variant Classification Sherloc (09022015). Collection method: clinical testing. Allele origin: germline.
Comment: This sequence change replaces valine, which is neutral and non-polar, with isoleucine, which is neutral and non-polar, at codon 828 of the SLC12A5 protein (p.Val828Ile). This variant is present in population databases (rs745380226, gnomAD 0.007%). This variant has not been reported in the literature in individuals affected with SLC12A5-related conditions. Advanced modeling of protein sequence and biophysical properties (such as structural, functional, and spatial information, amino acid conservation, physicochemical variation, residue mobility, and thermodynamic stability) performed at Invitae indicates that this missense variant is not expected to disrupt SLC12A5 protein function. In summary, the available evidence is currently insufficient to determine the role of this variant in disease. Therefore, it has been classified as a Variant of Uncertain Significance.

NM_020708.5(SLC12A5):c.2482G>A (p.Val828Ile)

Gene: SLC12A5 (solute carrier family 12 member 5; plus strand). Cytogenetic location: 20q13.12.
Variant type: single nucleotide variant.
Coding change: c.2482G>A on transcript NM_020708.5 (MANE Select); coding-DNA position 2482, G replaced by A.
Protein change: p.Val828Ile; replaces valine 828 with isoleucine.
Molecular consequence: missense variant.
Genome position (GRCh38, 1-based): chr20:46,053,061, G>A. VCF-style: chr20-46053061-G-A. GRCh37 (hg19) VCF-style: chr20-44681700-G-A.
Other names: c.2551G>A, p.Val851Ile (NM_001134771.2); short protein forms V851I, V828I.
Identifiers: ClinVar variation 2079169 (VCV002079169.3), dbSNP rs745380226, ClinGen allele CA9887620.